The following is an entry in ClinVar:

NM_001540.5(HSPB1):c.192G>C (p.Glu64Asp)

Gene: HSPB1 (heat shock protein family B (small) member 1; plus strand). Cytogenetic location: 7q11.23.
Variant type: single nucleotide variant.
Coding change: c.192G>C on transcript NM_001540.5 (MANE Select); coding-DNA position 192, G replaced by C.
Protein change: p.Glu64Asp; replaces glutamic acid 64 with aspartic acid.
Molecular consequence: missense variant.
Genome position (GRCh38, 1-based): chr7:76,302,904, G>C. VCF-style: chr7-76302904-G-C. GRCh37 (hg19) VCF-style: chr7-75932221-G-C.
Other names: short protein forms E64D.
Identifiers: ClinVar variation 835042 (VCV000835042.10), dbSNP rs1803023868, ClinGen allele CA367763082.
Genomic context (GRCh38, chr7:76,302,904, plus strand): 5'-GTGGTTAGGCGGCAGCAGCTGGCCAGGCTACGTGCGCCCCCTGCCCCCCGCCGCCATCGA[G>C]AGCCCCGCAGTGGCCGCGCCCGCCTACAGCCGCGCGCTCAGCCGGCAACTCAGCAGCGGG-3'
Protein context (NP_001531.1, residues 54-74): YVRPLPPAAI[Glu64Asp]SPAVAAPAYS

ClinVar aggregate classification (germline): Uncertain significance (1 of 4 stars; one submission).

Conditions:
Charcot-Marie-Tooth disease axonal type 2F (CMT2F). Also called: CHARCOT-MARIE-TOOTH DISEASE, NEURONAL, TYPE 2F; Charcot-Marie-Tooth Neuropathy Type 2F. Identifiers: Orphanet 99940, MedGen C1847823, MONDO:0011687, OMIM 606595.

Submission:

Labcorp Genetics (formerly Invitae), Labcorp
Classification: Uncertain significance for Charcot-Marie-Tooth disease axonal type 2F. Last evaluated: 2019-12-22. Review status: criteria provided, single submitter. Criteria: Invitae Variant Classification Sherloc (09022015). Collection method: clinical testing. Allele origin: germline.
Comment: This variant has not been reported in the literature in individuals with HSPB1-related conditions. The frequency data for this variant in the population databases is considered unreliable, as metrics indicate insufficient coverage at this position in the ExAC database. This sequence change replaces glutamic acid with aspartic acid at codon 64 of the HSPB1 protein (p.Glu64Asp). The glutamic acid residue is moderately conserved and there is a small physicochemical difference between glutamic acid and aspartic acid. Algorithms developed to predict the effect of missense changes on protein structure and function (SIFT, PolyPhen-2, Align-GVGD) all suggest that this variant is likely to be tolerated, but these predictions have not been confirmed by published functional studies and their clinical significance is uncertain. In summary, the available evidence is currently insufficient to determine the role of this variant in disease. Therefore, it has been classified as a Variant of Uncertain Significance.